The following is an entry in ClinVar:

ClinVar aggregate classification (germline): Uncertain significance (1 of 4 stars; one submission).

Conditions:
VPS13B-related disorder. Also called: VPS13B-related condition.

gnomAD v4.1: 9 of 1,613,758 alleles (0.00056%); highest among the groups gnomAD compares: Admixed American, 0.0017%; no homozygotes.

Submission:

PreventionGenetics, part of Exact Sciences
Classification: Uncertain significance for VPS13B-related condition. Last evaluated: 2025-07-28. Review status: criteria provided, single submitter. Criteria: ACMG Guidelines, 2015. Collection method: clinical testing. Allele origin: germline.
Comment: The VPS13B c.7978C>T variant is predicted to result in the amino acid substitution p.Arg2660Cys. To our knowledge, this variant has not been reported in the literature. This variant is reported in 0.0055% of alleles in individuals of East Asian descent in gnomAD. At this time, the clinical significance of this variant is uncertain due to the absence of conclusive functional and genetic evidence.

NM_152564.5(VPS13B):c.7978C>T (p.Arg2660Cys)

Gene: VPS13B (vacuolar protein sorting 13 homolog B; plus strand). Cytogenetic location: 8q22.2.
Variant type: single nucleotide variant.
Coding change: c.7978C>T on transcript NM_152564.5 (MANE Select); coding-DNA position 7978, C replaced by T.
Protein change: p.Arg2660Cys; replaces arginine 2660 with cysteine.
Molecular consequence: missense variant.
Genome position (GRCh38, 1-based): chr8:99,809,411, C>T. VCF-style: chr8-99809411-C-T. GRCh37 (hg19) VCF-style: chr8-100821639-C-T.
Other names: c.8053C>T, p.Arg2685Cys (NM_017890.5); short protein forms R2660C, R2685C.
Identifiers: ClinVar variation 3349478 (VCV003349478.2).
Genomic context (GRCh38, chr8:99,809,411, plus strand): 5'-GACGATTATTGTTTTTTTCTCCAGCTGTTACACATCTGTATTGAAGGTTGGGGCAACTGG[C>T]GTTGGTCAGAGCCTTTCAGTGTGGACCATGCCGGGACTTTTATTAGAACAATTCAGTACA-3'
Protein context (NP_689777.3, residues 2650-2670): HICIEGWGNW[Arg2660Cys]WSEPFSVDHA